The following is an entry in ClinVar:

ClinVar aggregate classification (germline): Uncertain significance (1 of 4 stars; one submission).

Conditions:
Familial acute necrotizing encephalopathy (IIAE3). Also called: Susceptibility to Acute Necrotizing Encephalopathy 1; ENCEPHALOPATHY, ACUTE, INFECTION-INDUCED, SUSCEPTIBILITY TO, 3. Identifiers: Orphanet 88619, MedGen C2675556, MONDO:0011953, OMIM 608033.

Allele frequency attached by ClinVar (database versions not stated): gnomAD exomes below 0.00001; TOPMed below 0.00001.
gnomAD v4.1: 2 of 1,611,978 alleles (0.00012%); highest among the groups gnomAD compares: Admixed American, 0.0033%; no homozygotes.

Submission:

Labcorp Genetics (formerly Invitae), Labcorp
Classification: Uncertain significance for Familial acute necrotizing encephalopathy. Last evaluated: 2018-07-23. Review status: criteria provided, single submitter. Criteria: Invitae Variant Classification Sherloc (09022015). Collection method: clinical testing. Allele origin: germline.
Comment: This sequence change replaces aspartic acid with valine at codon 2294 of the RANBP2 protein (p.Asp2294Val). The aspartic acid residue is highly conserved and there is a large physicochemical difference between aspartic acid and valine. The frequency data for this variant in the population databases is considered unreliable, as metrics indicate poor data quality at this position in the ExAC database. This variant has not been reported in the literature in individuals with RANBP2-related disease. Algorithms developed to predict the effect of missense changes on protein structure and function (SIFT, PolyPhen-2, Align-GVGD) all suggest that this variant is likely to be disruptive, but these predictions have not been confirmed by published functional studies and their clinical significance is uncertain. In summary, the available evidence is currently insufficient to determine the role of this variant in disease. Therefore, it has been classified as a Variant of Uncertain Significance.

NM_006267.5(RANBP2):c.6881A>T (p.Asp2294Val)

Gene: RANBP2 (RAN binding protein 2; plus strand). Cytogenetic location: 2q13.
Variant type: single nucleotide variant.
Coding change: c.6881A>T on transcript NM_006267.5 (MANE Select); coding-DNA position 6881, A replaced by T.
Protein change: p.Asp2294Val; replaces aspartic acid 2294 with valine.
Molecular consequence: missense variant.
Genome position (GRCh38, 1-based): chr2:108,767,420, A>T. VCF-style: chr2-108767420-A-T. GRCh37 (hg19) VCF-style: chr2-109383876-A-T.
Other names: short protein forms D2294V.
Identifiers: ClinVar variation 656601 (VCV000656601.9), dbSNP rs779134801, ClinGen allele CA1823508.